The following is an entry in ClinVar:

ClinVar aggregate classification (germline): Benign/Likely benign. Review status: criteria provided, multiple submitters, no conflicts (2 of 4 stars). 6 submissions from 6 submitters: Benign (1); Likely benign (5). Last evaluated 2026-05-15.

Conditions:
Hereditary cancer-predisposing syndrome. Also called: Neoplastic Syndromes, Hereditary; Hereditary Cancer Syndrome; Hereditary neoplastic syndrome; Tumor predisposition. Identifiers: Orphanet 140162, MedGen C0027672, MeSH D009386, MONDO:0015356.
Cardiovascular phenotype. Identifiers: MedGen CN230736.
Neurofibromatosis, type 1 (NF1). Also called: VON RECKLINGHAUSEN DISEASE; Peripheral type neurofibromatosis; NEUROFIBROMATOSIS, TYPE I, SOMATIC; Neurofibromatosis, type I. Identifiers: Orphanet 636, MedGen C0027831, MONDO:0018975, OMIM 162200. Disease mechanism: loss of function.

Allele frequency attached by ClinVar (database versions not stated): gnomAD 0.00001; gnomAD exomes 0.00001; ExAC 0.00002.
gnomAD v4.1: 22 of 1,613,960 alleles (0.0014%); highest among the groups gnomAD compares: Non-Finnish European, 0.0018%; no homozygotes.

Submissions (6):

Myriad Genetics, Inc.
Classification: Benign for Neurofibromatosis, type 1. Last evaluated: 2026-05-15. Review status: criteria provided, single submitter. Criteria: Myriad Autosomal Dominant, Autosomal Recessive and X-Linked Classification Criteria (2023). Collection method: clinical testing. Allele origin: unknown.
Comment: This variant is considered benign. This variant is a silent/synonymous amino acid change and it is not expected to impact splicing.

Labcorp Genetics (formerly Invitae), Labcorp
Classification: Likely benign for Neurofibromatosis, type 1. Last evaluated: 2025-10-19. Review status: criteria provided, single submitter. Criteria: Invitae Variant Classification Sherloc (09022015). Collection method: clinical testing. Allele origin: germline.

Blueprint Genetics
Classification: Likely benign. Last evaluated: 2023-06-22. Review status: criteria provided, single submitter. Criteria: ACMG Guidelines, 2015. Collection method: clinical testing. Allele origin: germline.

Genome-Nilou Lab
Classification: Likely benign for Neurofibromatosis, type 1. Last evaluated: 2022-03-15. Review status: criteria provided, single submitter. Criteria: ACMG Guidelines, 2015. Collection method: clinical testing. Allele origin: germline. Affected: no.

GeneDx
Classification: Likely benign. Last evaluated: 2020-10-27. Review status: criteria provided, single submitter. Criteria: GeneDx Variant Classification Process June 2021. Collection method: clinical testing. Allele origin: germline. Affected: yes.

Ambry Genetics
Classification: Likely benign for Cardiovascular phenotype; Hereditary cancer-predisposing syndrome. Last evaluated: 2018-01-16. Review status: criteria provided, single submitter. Criteria: Ambry General Variant Classification Scheme_2022. Collection method: clinical testing. Allele origin: germline. Observed: 1 variant allele.

NM_001042492.3(NF1):c.1170C>T (p.Asn390=)

Gene: NF1 (neurofibromin 1; plus strand). Cytogenetic location: 17q11.2.
Variant type: single nucleotide variant.
Coding change: c.1170C>T on transcript NM_001042492.3 (MANE Select); coding-DNA position 1170, C replaced by T.
Protein change: p.Asn390=; no amino-acid change (asparagine 390 retained).
Molecular consequence: synonymous variant.
Genome position (GRCh38, 1-based): chr17:31,201,144, C>T. VCF-style: chr17-31201144-C-T. GRCh37 (hg19) VCF-style: chr17-29528162-C-T.
Other names: c.1170C>T, p.Asn390= (NM_000267.4, NM_001128147.3).
Identifiers: ClinVar variation 457518 (VCV000457518.18), dbSNP rs769004910, ClinGen allele CA8485691.
Genomic context (GRCh38, chr17:31,201,144, plus strand): 5'-TGCAGATGTGGATCTAATGATTGACTGCCTTGTTTCTTGCTTTCGTATAAGCCCTCACAA[C>T]AACCAACACTTTAAGGTGAGAGCATTGGTTTTTATCTAACTATATTTACTGATGCTGTTA-3'
Protein context (NP_001035957.1, residues 380-400): LVSCFRISPH[Asn390=]NQHFKICLAQ